The following is an entry in ClinVar:

NM_206933.4(USH2A):c.1416_1441del (p.Asn472fs)

Gene: USH2A (usherin; minus strand). Cytogenetic location: 1q41.
Variant type: Deletion.
Coding change: c.1416_1441del on transcript NM_206933.4 (MANE Select); coding-DNA positions 1416 to 1441, 26 bases deleted (TACCCCATCTCTTCAAGAGTTCGTAA).
Protein change: p.Asn472fs; shifts the reading frame from asparagine 472.
Molecular consequence: frameshift variant.
Genome position (GRCh38, 1-based): chr1:216,323,583-216,323,608, TTACGAACTCTTGAAGAGATGGGGTA deleted on the plus strand (TACCCCATCTCTTCAAGAGTTCGTAA on the coding strand, the reverse complement: USH2A is on the minus strand); deleting any 26 consecutive bases within chr1:216,323,583-216,323,611 gives the same sequence; the c. name uses the placement nearest the transcript's 3' end. VCF-style (leftmost placement, unchanged base first): chr1-216323582-TTTACGAACTCTTGAAGAGATGGGGTA-T. GRCh37 (hg19) VCF-style: chr1-216496924-TTTACGAACTCTTGAAGAGATGGGGTA-T.
Other names: c.1416_1441del (NM_206933.2); c.1416_1441del, p.Asn472fs (NM_007123.6); short protein forms N472fs.
Identifiers: ClinVar variation 2907307 (VCV002907307.5), dbSNP rs1571701243, ClinGen allele CA423397743.

ClinVar aggregate classification (germline): Pathogenic/Likely pathogenic. Review status: criteria provided, multiple submitters, no conflicts (2 of 4 stars). 3 submissions from 3 submitters: Pathogenic (2); Likely pathogenic (1). Last evaluated 2025-06-30.

Conditions:
USH2A-related disorder. Also called: USH2A-related disorders; USH2A-related condition. Identifiers: MedGen CN239332.
Usher syndrome type 2A. Also called: USHER SYNDROME, TYPE IIA; RETINAL DISEASE IN USHER SYNDROME TYPE IIA, MODIFIER OF. Identifiers: Orphanet 231178, Orphanet 886, MedGen C1848634, MONDO:0010169, OMIM 276901.

Submissions (3):

Natera, Inc.
Classification: Pathogenic for Usher syndrome type 2A. Last evaluated: 2025-06-30. Review status: criteria provided, single submitter. Criteria: Natera Variant Classification Schema (03/2026). Collection method: clinical testing. Allele origin: germline.
Comment: The c.1416_1441del variant in USH2A is a frameshift variant predicted to shift the reading frame beginning at codon 472 and leads to a stop codon 17 codons downstream. This variant is expected to result in nonsense mediated decay, truncation, or a dysfunctional protein product. This variant is rare in the general population with a frequency below the threshold expected for the associated phenotype(s). This variant has been observed in one or more individuals affected with the associated recessive disease, as either homozygous or compound heterozygous with a second variant (PMID: 34948090). Given the available evidence, this variant is classified as Pathogenic.

Labcorp Genetics (formerly Invitae), Labcorp
Classification: Pathogenic. Last evaluated: 2023-06-30. Review status: criteria provided, single submitter. Criteria: Invitae Variant Classification Sherloc (09022015). Collection method: clinical testing. Allele origin: germline.
Comment: For these reasons, this variant has been classified as Pathogenic. This premature translational stop signal has been observed in individual(s) with Usher syndrome (PMID: 16963483). This variant is not present in population databases (gnomAD no frequency). This sequence change creates a premature translational stop signal (p.Asn472Lysfs*17) in the USH2A gene. It is expected to result in an absent or disrupted protein product. Loss-of-function variants in USH2A are known to be pathogenic (PMID: 10729113, 10909849, 20507924, 25649381).

Blueprint Genetics
Classification: Likely pathogenic for USH2A-related disorders. Last evaluated: 2022-04-01. Review status: criteria provided, single submitter. Criteria: ACMG Guidelines, 2015. Collection method: clinical testing. Allele origin: germline. Affected: yes. Observed: 2 variant alleles.

Literature cited by the submitters: PubMed 34948090 (cited by Natera, Inc.); PubMed 16963483 (cited by Labcorp Genetics (formerly Invitae), Labcorp); PubMed 10729113 (cited by Labcorp Genetics (formerly Invitae), Labcorp); PubMed 10909849 (cited by Labcorp Genetics (formerly Invitae), Labcorp); PubMed 20507924 (cited by Labcorp Genetics (formerly Invitae), Labcorp); PubMed 25649381 (cited by Labcorp Genetics (formerly Invitae), Labcorp).